The following is an entry in ClinVar:

ClinVar aggregate classification (germline): Benign/Likely benign. Review status: criteria provided, multiple submitters, no conflicts (2 of 4 stars). 7 submissions from 7 submitters: Benign (2); Likely benign (4). 1 of the submissions does not count toward it. Last evaluated 2026-01-22.

Conditions:
DDX41-related disorder. Also called: DDX41-related condition.
Inborn genetic diseases. Identifiers: MedGen C0950123, MeSH D030342.
DDX41-related hematologic malignancy predisposition syndrome. Also called: Myeloproliferative/lymphoproliferative neoplasms, familial (multiple types), susceptibility to; DDX41-Associated Familial Myelodysplastic Syndrome and Acute Myeloid Leukemia. Identifiers: Orphanet 488647, MedGen C4225174, MONDO:0014809, OMIM 616871.

Allele frequency attached by ClinVar (database versions not stated): gnomAD exomes 0.00034 and 0.00069; ExAC 0.00083; 1000 Genomes Project 0.00220; 1000 Genomes Project 30x 0.00250; gnomAD 0.00257 and 0.00279; ESP Exome Variant Server 0.00277; TOPMed 0.00282.
gnomAD v4.1: 903 of 1,613,612 alleles (0.056%); highest among the groups gnomAD compares: African/African-American, 0.92%; 5 homozygotes.

Submissions (7):

Labcorp Genetics (formerly Invitae), Labcorp
Classification: Benign. Last evaluated: 2026-01-22. Review status: criteria provided, single submitter. Criteria: Invitae Variant Classification Sherloc (09022015). Collection method: clinical testing. Allele origin: germline.

ARUP Laboratories, Molecular Genetics and Genomics, ARUP Laboratories
Classification: Benign for DDX41-related hematologic malignancy predisposition syndrome. Last evaluated: 2025-04-16. Review status: criteria provided, single submitter. Criteria: ARUP Molecular Germline Variant Investigation Process 2024. Collection method: clinical testing. Allele origin: germline.

Blueprint Genetics
Classification: Likely benign. Last evaluated: 2024-10-09. Review status: criteria provided, single submitter. Criteria: ACMG Guidelines, 2015. Collection method: clinical testing. Allele origin: germline.

Ambry Genetics
Classification: Likely benign for Inborn genetic diseases. Last evaluated: 2024-08-21. Review status: criteria provided, single submitter. Criteria: Ambry Variant Classification Scheme 2023. Collection method: clinical testing. Allele origin: germline.

Genetic Services Laboratory, University of Chicago
Classification: Likely benign. Last evaluated: 2022-01-18. Review status: criteria provided, single submitter. Criteria: ACMG Guidelines, 2015. Collection method: clinical testing. Allele origin: germline. Affected: no.

Breakthrough Genomics
Classification: Likely benign. Review status: criteria provided, single submitter. Criteria: ACMG Guidelines, 2015. Collection method: not provided. Allele origin: germline. Inheritance: Autosomal dominant inheritance. Affected: yes.

PreventionGenetics, part of Exact Sciences
Classification: Benign for DDX41-related condition. Last evaluated: 2022-02-02. Review status: no assertion criteria provided. Collection method: clinical testing. Allele origin: germline. Not counted in ClinVar's aggregate classification.
Comment: This variant is classified as benign based on ACMG/AMP sequence variant interpretation guidelines (Richards et al. 2015 PMID: 25741868, with internal and published modifications).

NM_016222.4(DDX41):c.1299G>A (p.Pro433=)

Gene: DDX41 (DEAD-box helicase 41; minus strand). Cytogenetic location: 5q35.3.
Variant type: single nucleotide variant.
Coding change: c.1299G>A on transcript NM_016222.4 (MANE Select); coding-DNA position 1299, G replaced by A.
Protein change: p.Pro433=; no amino-acid change (proline 433 retained).
Molecular consequence: synonymous variant.
Genome position (GRCh38, 1-based): chr5:177,513,014, C>T on the plus strand (G>A on the coding strand, the complement: DDX41 is on the minus strand). VCF-style: chr5-177513014-C-T. GRCh37 (hg19) VCF-style: chr5-176940015-C-T.
Other names: c.921G>A, p.Pro307= (NM_001321732.2, NM_001321830.2); c.1299G>A (NM_016222.2).
Identifiers: ClinVar variation 1336306 (VCV001336306.14), dbSNP rs61736556, ClinGen allele CA3584821.